The following is an entry in ClinVar:

NM_001379110.1(SLC9A6):c.593C>G (p.Thr198Arg)

Gene: SLC9A6 (solute carrier family 9 member A6; plus strand). Cytogenetic location: Xq26.3.
Variant type: single nucleotide variant.
Coding change: c.593C>G on transcript NM_001379110.1 (MANE Select); coding-DNA position 593, C replaced by G.
Protein change: p.Thr198Arg; replaces threonine 198 with arginine.
Molecular consequence: missense variant.
Genome position (GRCh38, 1-based): chrX:135,998,924, C>G. VCF-style: chrX-135998924-C-G. GRCh37 (hg19) VCF-style: chrX-135081083-C-G.
Other names: c.749C>G, p.Thr250Arg (NM_001042537.2); c.593C>G, p.Thr198Arg (NM_001177651.2, NM_001400909.1, NM_001400910.1 and 2 more transcripts); c.497C>G, p.Thr166Arg (NM_001330652.2, NM_001400913.1); c.653C>G, p.Thr218Arg (NM_006359.3); short protein forms T166R, T198R, T218R, T250R.
Identifiers: ClinVar variation 3656570 (VCV003656570.2).
Genomic context (GRCh38, chrX:135,998,924, plus strand): 5'-TGTATGGCTGTGTAACGCTGATGAAGGTAACGGGACAACTTGCAGGAGATTTTTACTTTA[C>G]AGATTGCCTACTGTTTGGTGCCATTGTATCAGCAACTGATCCAGGTATGTTTTATATGAG-3'
Protein context (NP_001366039.1, residues 188-208): TGQLAGDFYF[Thr198Arg]DCLLFGAIVS

ClinVar aggregate classification (germline): Uncertain significance (1 of 4 stars; one submission).

Conditions:
Christianson syndrome (MRXSCH). Also called: X-linked mental retardation, syndromic, Christianson type; SLC9A6-Related Syndromic Mental Retardation; INTELLECTUAL DEVELOPMENTAL DISORDER, X-LINKED, SYNDROMIC, CHRISTIANSON TYPE. Identifiers: Orphanet 85278, MedGen C2678194, MONDO:0010278, OMIM 300243.

Submission:

Labcorp Genetics (formerly Invitae), Labcorp
Classification: Uncertain significance for Christianson syndrome. Last evaluated: 2024-06-13. Review status: criteria provided, single submitter. Criteria: Invitae Variant Classification Sherloc (09022015). Collection method: clinical testing. Allele origin: germline.
Comment: This sequence change replaces threonine, which is neutral and polar, with arginine, which is basic and polar, at codon 218 of the SLC9A6 protein (p.Thr218Arg). This variant is not present in population databases (gnomAD no frequency). This variant has not been reported in the literature in individuals affected with SLC9A6-related conditions. Advanced modeling of protein sequence and biophysical properties (such as structural, functional, and spatial information, amino acid conservation, physicochemical variation, residue mobility, and thermodynamic stability) performed at Invitae indicates that this missense variant is not expected to disrupt SLC9A6 protein function with a negative predictive value of 80%. In summary, the available evidence is currently insufficient to determine the role of this variant in disease. Therefore, it has been classified as a Variant of Uncertain Significance.